The following is an entry in ClinVar:

NM_001267550.2(TTN):c.43619G>A (p.Arg14540Lys)

Gene: TTN (titin; minus strand). Cytogenetic location: 2q31.2.
Variant type: single nucleotide variant.
Coding change: c.43619G>A on transcript NM_001267550.2 (MANE Select); coding-DNA position 43619, G replaced by A.
Protein change: p.Arg14540Lys; replaces arginine 14540 with lysine.
Molecular consequence: missense variant.
Genome position (GRCh38, 1-based): chr2:178,632,275, C>T on the plus strand (G>A on the coding strand, the complement: TTN is on the minus strand). VCF-style: chr2-178632275-C-T. GRCh37 (hg19) VCF-style: chr2-179497002-C-T.
Other names: c.38696G>A, p.Arg12899Lys (NM_001256850.1); c.16424G>A, p.Arg5475Lys (NM_003319.4); c.35915G>A, p.Arg11972Lys (NM_133378.4); c.16799G>A, p.Arg5600Lys (NM_133432.3); c.17000G>A, p.Arg5667Lys (NM_133437.4); short protein forms R11972K, R12899K, R14540K, R5475K, R5600K, R5667K.
Identifiers: ClinVar variation 2651642 (VCV002651642.24), dbSNP rs2471456626, ClinGen allele CA349649735.

ClinVar aggregate classification (germline): Uncertain significance (1 of 4 stars; one submission).

Submission:

CeGaT Center for Human Genetics Tuebingen
Classification: Uncertain significance. Last evaluated: 2022-07-01. Review status: criteria provided, single submitter. Criteria: CeGaT Center For Human Genetics Tuebingen Variant Classification Criteria Version 2. Collection method: clinical testing. Allele origin: germline. Affected: yes. Observed: 1 variant allele.
Comment: TTN: PM2, PS2:Supporting, BP4